The following is an entry in ClinVar:

NM_013280.5(FLRT1):c.736C>T (p.Arg246Cys)

Genes: FLRT1 (fibronectin leucine rich transmembrane protein 1; plus strand), MACROD1 (mono-ADP ribosylhydrolase 1; minus strand). Cytogenetic location: 11q13.1.
Variant type: single nucleotide variant.
Coding change: c.736C>T on transcript NM_013280.5 (MANE Select); coding-DNA position 736, C replaced by T.
Protein change: p.Arg246Cys; replaces arginine 246 with cysteine.
Molecular consequence: missense variant. On other transcripts: intron variant (2).
Genome position (GRCh38, 1-based): chr11:64,117,003, C>T. VCF-style: chr11-64117003-C-T. GRCh37 (hg19) VCF-style: chr11-63884475-C-T.
Other names: c.736C>T, p.Arg246Cys (NM_001384466.1); c.652C>T, p.Arg218Cys (NM_001423967.1); c.517+34236G>A (NM_001411019.1, NM_014067.4); short protein forms R246C, R218C.
Identifiers: ClinVar variation 647420 (VCV000647420.1), dbSNP rs756527574, ClinGen allele CA6067540.

ClinVar aggregate classification (germline): Uncertain significance (1 of 4 stars; one submission).

Conditions:
Peripheral neuropathy. Also called: Neuropathy. Identifiers: MedGen C0031117, MONDO:0005244, HP:0009830.

Allele frequency attached by ClinVar (database versions not stated): ExAC 0.00002; gnomAD exomes 0.00003 and 0.00004; gnomAD 0.00004; TOPMed 0.00004.
gnomAD v4.1: 60 of 1,612,572 alleles (0.0037%); highest among the groups gnomAD compares: Admixed American, 0.005%; no homozygotes.

Submission:

Labcorp Genetics (formerly Invitae), Labcorp
Classification: Uncertain significance for Neuropathy. Last evaluated: 2018-07-19. Review status: criteria provided, single submitter. Criteria: Invitae Variant Classification Sherloc (09022015). Collection method: clinical testing. Allele origin: germline.
Comment: This sequence change replaces arginine with cysteine at codon 246 of the FLRT1 protein (p.Arg246Cys). The arginine residue is highly conserved and there is a large physicochemical difference between arginine and cysteine. This variant is present in population databases (rs756527574, ExAC 0.003%). This variant has not been reported in the literature in individuals with FLRT1-related disease. Algorithms developed to predict the effect of missense changes on protein structure and function (SIFT, PolyPhen-2, Align-GVGD) all suggest that this variant is likely to be disruptive, but these predictions have not been confirmed by published functional studies and their clinical significance is uncertain. In summary, the available evidence is currently insufficient to determine the role of this variant in disease. Therefore, it has been classified as a Variant of Uncertain Significance.